The following is an entry in ClinVar:

NM_001035.3(RYR2):c.9198G>A (p.Glu3066=)

Gene: RYR2 (ryanodine receptor 2; plus strand). Cytogenetic location: 1q43.
Variant type: single nucleotide variant.
Coding change: c.9198G>A on transcript NM_001035.3 (MANE Select); coding-DNA position 9198, G replaced by A.
Protein change: p.Glu3066=; no amino-acid change (glutamic acid 3066 retained).
Molecular consequence: synonymous variant.
Genome position (GRCh38, 1-based): chr1:237,700,298, G>A. VCF-style: chr1-237700298-G-A. GRCh37 (hg19) VCF-style: chr1-237863598-G-A.
Identifiers: ClinVar variation 179236 (VCV000179236.7), dbSNP rs727504729, ClinGen allele CA011153.

ClinVar aggregate classification (germline): Likely benign. Review status: criteria provided, multiple submitters, no conflicts (2 of 4 stars). 2 submissions from 2 submitters: Likely benign (2). Last evaluated 2021-12-16.

Conditions:
Cardiovascular phenotype. Identifiers: MedGen CN230736.

Submissions (2):

Ambry Genetics
Classification: Likely benign for Cardiovascular phenotype. Last evaluated: 2021-12-16. Review status: criteria provided, single submitter. Criteria: Ambry Variant Classification Scheme 2023. Collection method: clinical testing. Allele origin: germline.

Laboratory for Molecular Medicine, Mass General Brigham Personalized Medicine
Classification: Likely benign. Last evaluated: 2013-09-12. Review status: criteria provided, single submitter. Criteria: LMM Criteria. Collection method: clinical testing. Allele origin: germline. Observed: 1 variant allele.
Comment: The Glu3066Glu variant in RYR2 is not expected to have clinical significance bec ause it does not alter an amino acid residue and is not located within the splic e consensus sequence.